The following is an entry in ClinVar:

NM_000536.4(RAG2):c.1357T>C (p.Trp453Arg)

Gene: RAG2 (recombination activating 2; minus strand). Cytogenetic location: 11p12.
Variant type: single nucleotide variant.
Coding change: c.1357T>C on transcript NM_000536.4 (MANE Select); coding-DNA position 1357, T replaced by C.
Protein change: p.Trp453Arg; replaces tryptophan 453 with arginine.
Molecular consequence: missense variant.
Genome position (GRCh38, 1-based): chr11:36,592,812, A>G on the plus strand (T>C on the coding strand, the complement: RAG2 is on the minus strand). VCF-style: chr11-36592812-A-G. GRCh37 (hg19) VCF-style: chr11-36614362-A-G.
Other names: c.1357T>C, p.Trp453Arg (NM_001243785.2, NM_001243786.2); short protein forms W453R.
Identifiers: ClinVar variation 3629703 (VCV003629703.1).

ClinVar aggregate classification (germline): Pathogenic (1 of 4 stars; one submission).

Conditions:
Severe combined immunodeficiency disease. Also called: Severe combined immunodeficiency; Severe Combined Immune Deficiency. Identifiers: Orphanet 183660, MedGen C0085110, MeSH D016511, MONDO:0015974, HP:0004430. Inheritance: X-Linked or Autosomal recessive.

gnomAD v4.1: 1 of 1,614,148 alleles (0.000062%); highest among the groups gnomAD compares: South Asian, 0.0011%; no homozygotes.

Submission:

Women's Health and Genetics/Laboratory Corporation of America, LabCorp
Classification: Pathogenic for Severe combined immunodeficiency disease. Last evaluated: 2024-11-11. Review status: criteria provided, single submitter. Criteria: LabCorp Variant Classification Summary - May 2015. Collection method: clinical testing. Allele origin: germline.
Comment: Variant summary: RAG2 c.1357T>C (p.Trp453Arg) results in a non-conservative amino acid change located in the RAG2 PHD domain (IPR025162) of the encoded protein sequence. Five of five in-silico tools predict a damaging effect of the variant on protein function. The variant was absent in 251488 control chromosomes. c.1357T>C has been reported in the literature in compound heterozygous or homozygous individuals affected with Severe Combined Immunodeficiency Syndrome/Omenn Syndrome (Sharapova_2020). These data indicate that the variant is likely to be associated with disease. At least one publication reports experimental evidence evaluating an impact on protein function. The most pronounced variant effect results in <10% of normal recombination activity in vitro and disrupted histone binding (Schuetz_2023, Matthews_2007). The following publications have been ascertained in the context of this evaluation (PMID: 18033247, 36279417, 32655540). No submitters have cited clinical-significance assessments for this variant to ClinVar. Based on the evidence outlined above, the variant was classified as pathogenic.

Literature cited by the submitters: PubMed 18033247; PubMed 32655540; PubMed 36279417.